The following is an entry in ClinVar:

ClinVar aggregate classification (germline): Pathogenic/Likely pathogenic. Review status: criteria provided, multiple submitters, no conflicts (2 of 4 stars). 3 submissions from 3 submitters: Pathogenic (1); Likely pathogenic (1). 1 of the submissions does not count toward it. Last evaluated 2024-10-08.

Conditions:
Renal coloboma syndrome (PAPRS). Also called: CONGENITAL ANOMALIES OF THE KIDNEY AND URINARY TRACT WITH OR WITHOUT OCULAR ABNORMALITIES; CAKUT WITH OR WITHOUT OCULAR ABNORMALITIES; OPTIC COLOBOMA, VESICOURETERAL REFLUX, AND RENAL ANOMALIES; OPTIC NERVE COLOBOMA WITH RENAL DISEASE; PAPILLORENAL SYNDROME WITH MILD OCULAR ABNORMALITIES; RENAL-COLOBOMA SYNDROME WITH MACULAR ABNORMALITIES. Identifiers: Orphanet 1475, MedGen C1852759, MONDO:0007352, OMIM 120330.

Submissions (3):

GeneDx
Classification: Pathogenic. Last evaluated: 2024-10-08. Review status: criteria provided, single submitter. Criteria: GeneDx Variant Classification Process June 2021. Collection method: clinical testing. Allele origin: germline. Affected: yes.
Comment: Published functional studies demonstrate that the variant is a hypomorphic allele and leads to decreased PAX2 transactivation (PMID: 20221250); Not observed at significant frequency in large population cohorts (gnomAD); In silico analysis supports that this missense variant has a deleterious effect on protein structure/function; This variant is associated with the following publications: (PMID: 22213154, 9760197, 38029557, 38036193, 39135934, 36549658, 20221250, 36685964)

Johns Hopkins Genomics, Johns Hopkins University
Classification: Likely pathogenic for Renal coloboma syndrome. Last evaluated: 2022-02-28. Review status: criteria provided, single submitter. Criteria: ACMG Guidelines, 2015. Collection method: clinical testing. Allele origin: germline.
Comment: This PAX2 variant has been previously reported to segregate with renal-coloboma syndrome in multiple generations of a family. PAX2 c.226G>A is absent from a large population dataset, but has been reported in ClinVar. Three bioinformatic tools queried predict that this substitution would be damaging and the glycine residue at this position is evolutionarily conserved across all species assessed. We consider this variant to be likely pathogenic.

OMIM
Classification: Pathogenic for PAPILLORENAL SYNDROME. Last evaluated: 2012-03-01. Review status: no assertion criteria provided. Collection method: literature only. Allele origin: germline. Not counted in ClinVar's aggregate classification.

Literature cited by the submitters: PubMed 32776440 (cited by Johns Hopkins Genomics, Johns Hopkins University); PubMed 34696790 (cited by Johns Hopkins Genomics, Johns Hopkins University); PubMed 9760197 (cited by Johns Hopkins Genomics, Johns Hopkins University and OMIM); PubMed 22213154 (cited by OMIM).

NM_000278.5(PAX2):c.226G>A (p.Gly76Ser)

Gene: PAX2 (paired box 2; plus strand). Cytogenetic location: 10q24.31.
Variant type: single nucleotide variant.
Coding change: c.226G>A on transcript NM_000278.5 (MANE Select); coding-DNA position 226, G replaced by A.
Protein change: p.Gly76Ser; replaces glycine 76 with serine.
Molecular consequence: missense variant.
Genome position (GRCh38, 1-based): chr10:100,750,707, G>A. VCF-style: chr10-100750707-G-A. GRCh37 (hg19) VCF-style: chr10-102510464-G-A.
Other names: c.319G>A, p.Gly107Ser (NM_001304569.2); c.226G>A, p.Gly76Ser (NM_003987.5, NM_003988.5, NM_003989.5 and 1 more transcripts); c.226G>A (NM_003990.3); short protein forms G76S, G107S.
Identifiers: ClinVar variation 13799 (VCV000013799.3), dbSNP rs79555199, ClinGen allele CA256966.